The following is an entry in ClinVar:

ClinVar aggregate classification (germline): Likely benign. Review status: criteria provided, multiple submitters, no conflicts (2 of 4 stars). 2 submissions from 2 submitters: Likely benign (2). Last evaluated 2025-05-22.

Conditions:
TMEM132E-related disorder. Also called: TMEM132E-related condition.

gnomAD v4.1: 11 of 1,606,852 alleles (0.00068%); highest among the groups gnomAD compares: African/African-American, 0.011%; no homozygotes.

Submissions (2):

PreventionGenetics, part of Exact Sciences
Classification: Likely benign for TMEM132E-related condition. Last evaluated: 2025-05-22. Review status: criteria provided, single submitter. Criteria: ACMG Guidelines, 2015. Collection method: clinical testing. Allele origin: germline.
Comment: This variant is classified as likely benign based on ACMG/AMP sequence variant interpretation guidelines (Richards et al. 2015 PMID: 25741868, with internal and published modifications).

Labcorp Genetics (formerly Invitae), Labcorp
Classification: Likely benign. Last evaluated: 2024-12-19. Review status: criteria provided, single submitter. Criteria: Invitae Variant Classification Sherloc (09022015). Collection method: clinical testing. Allele origin: germline.

NM_001304438.2(TMEM132E):c.2493G>T (p.Gly831=)

Gene: TMEM132E (transmembrane protein 132E; plus strand). Cytogenetic location: 17q12.
Variant type: single nucleotide variant.
Coding change: c.2493G>T on transcript NM_001304438.2 (MANE Select); coding-DNA position 2493, G replaced by T.
Protein change: p.Gly831=; no amino-acid change (glycine 831 retained).
Molecular consequence: synonymous variant.
Genome position (GRCh38, 1-based): chr17:34,637,500, G>T. VCF-style: chr17-34637500-G-T. GRCh37 (hg19) VCF-style: chr17-32964519-G-T.
Other names: c.2493G>T (NM_001304438.1).
Identifiers: ClinVar variation 3609587 (VCV003609587.3).